The following is an entry in ClinVar:

ClinVar aggregate classification (germline): Pathogenic (1 of 4 stars; one submission).

Conditions:
Primary ciliary dyskinesia. Also called: Ciliary dyskinesia. Identifiers: Orphanet 244, MedGen C0008780, MONDO:0016575, HP:0012265.

Submission:

Labcorp Genetics (formerly Invitae), Labcorp
Classification: Pathogenic for Primary ciliary dyskinesia. Last evaluated: 2023-06-25. Review status: criteria provided, single submitter. Criteria: Invitae Variant Classification Sherloc (09022015). Collection method: clinical testing. Allele origin: germline.
Comment: This sequence change creates a premature translational stop signal (p.Phe255Metfs*69) in the DNAAF5 gene. It is expected to result in an absent or disrupted protein product. Loss-of-function variants in DNAAF5 are known to be pathogenic (PMID: 24307375, 25232951). This variant is not present in population databases (gnomAD no frequency). This variant has not been reported in the literature in individuals affected with DNAAF5-related conditions. For these reasons, this variant has been classified as Pathogenic.

Literature cited by the submitters: PubMed 24307375; PubMed 25232951.

NM_017802.4(DNAAF5):c.763_766del (p.Phe255fs)

Gene: DNAAF5 (dynein axonemal assembly factor 5; plus strand). Cytogenetic location: 7p22.3.
Variant type: Deletion.
Coding change: c.763_766del on transcript NM_017802.4 (MANE Select); coding-DNA positions 763 to 766, 4 bases deleted (TTTG; older notation c.763_766delTTTG).
Protein change: p.Phe255fs; shifts the reading frame from phenylalanine 255.
Molecular consequence: frameshift variant. On other transcripts: non-coding transcript variant (1).
Genome position (GRCh38, 1-based): chr7:729,830-729,833, TTTG deleted; deleting any 4 consecutive bases within chr7:729,828-729,833 gives the same sequence; the c. name uses the placement nearest the transcript's 3' end. VCF-style (leftmost placement, unchanged base first): chr7-729827-CTGTT-C. GRCh37 (hg19) VCF-style: chr7-769464-CTGTT-C.
Other names: short protein forms F255fs.
Identifiers: ClinVar variation 2728813 (VCV002728813.3), dbSNP rs2484024185, ClinGen allele CA2681346040.
Genomic context (GRCh38, chr7:729,827, plus strand): 5'-GTGATCCATTTTGGCAACGGGAAGTCCGTGGACGACGTGCTTTCCCATTTTGCTCAGCGA[CTGTT>C]TGATGACGTCCCGCAGGTAACTGGTGTTTCTCCTGGACAGTCTGTTCCTCTCTCCAACAC-3'